The following is an entry in ClinVar:

NM_199420.4(POLQ):c.599G>T (p.Arg200Leu)

Gene: POLQ (DNA polymerase theta; minus strand). Cytogenetic location: 3q13.33.
Variant type: single nucleotide variant.
Coding change: c.599G>T on transcript NM_199420.4 (MANE Select); coding-DNA position 599, G replaced by T.
Protein change: p.Arg200Leu; replaces arginine 200 with leucine.
Molecular consequence: missense variant.
Genome position (GRCh38, 1-based): chr3:121,539,465, C>A on the plus strand (G>T on the coding strand, the complement: POLQ is on the minus strand). VCF-style: chr3-121539465-C-A. GRCh37 (hg19) VCF-style: chr3-121258312-C-A.
Other names: short protein forms R200L.
Identifiers: ClinVar variation 3422672 (VCV003422672.1).

ClinVar aggregate classification (germline): Uncertain significance (1 of 4 stars; one submission).

Submission:

Ambry Genetics
Classification: Uncertain significance. Last evaluated: 2024-11-19. Review status: criteria provided, single submitter. Criteria: Ambry Variant Classification Scheme 2023. Collection method: clinical testing. Allele origin: germline.
Comment: The p.R200L variant (also known as c.599G>T), located in coding exon 4 of the POLQ gene, results from a G to T substitution at nucleotide position 599. The arginine at codon 200 is replaced by leucine, an amino acid with dissimilar properties. This amino acid position is conserved. In addition, the in silico prediction for this alteration is inconclusive. Based on the available evidence, the clinical significance of this variant remains unclear.